The following is an entry in ClinVar:

ClinVar aggregate classification (germline): Uncertain significance. Review status: criteria provided, multiple submitters, no conflicts (2 of 4 stars). 2 submissions from 2 submitters: Uncertain significance (2). Last evaluated 2026-05-14.

Conditions:
Cardiovascular phenotype. Identifiers: MedGen CN230736.
Long QT syndrome (LQTS). Identifiers: MedGen C0023976, MeSH D008133, MONDO:0002442. Disease mechanism: loss of function. Inheritance: Various modes of inheritance.

Allele frequency attached by ClinVar (database versions not stated): TOPMed below 0.00001; gnomAD 0.00001; ExAC 0.00002; gnomAD exomes 0.00002.
gnomAD v4.1: 12 of 1,614,056 alleles (0.00074%); highest among the groups gnomAD compares: East Asian, 0.025%; no homozygotes.

Submissions (2):

Ambry Genetics
Classification: Uncertain significance for Cardiovascular phenotype. Last evaluated: 2026-05-14. Review status: criteria provided, single submitter. Criteria: Ambry Variant Classification Scheme 2023. Collection method: clinical testing. Allele origin: germline.
Comment: The p.V2634M variant (also known as c.7900G>A), located in coding exon 38 of the ANK2 gene, results from a G to A substitution at nucleotide position 7900. The valine at codon 2634 is replaced by methionine, an amino acid with highly similar properties. This amino acid position is conserved. In addition, this alteration is predicted to be tolerated by in silico analysis. Based on the available evidence, the clinical significance of this variant remains unclear.

Labcorp Genetics (formerly Invitae), Labcorp
Classification: Uncertain significance for Long QT syndrome. Last evaluated: 2022-12-15. Review status: criteria provided, single submitter. Criteria: Invitae Variant Classification Sherloc (09022015). Collection method: clinical testing. Allele origin: germline.
Comment: This sequence change replaces valine, which is neutral and non-polar, with methionine, which is neutral and non-polar, at codon 2634 of the ANK2 protein (p.Val2634Met). In summary, the available evidence is currently insufficient to determine the role of this variant in disease. Therefore, it has been classified as a Variant of Uncertain Significance. Algorithms developed to predict the effect of missense changes on protein structure and function output the following: SIFT: "Deleterious"; PolyPhen-2: "Benign"; Align-GVGD: "Class C0". The methionine amino acid residue is found in multiple mammalian species, which suggests that this missense change does not adversely affect protein function. This variant has not been reported in the literature in individuals affected with ANK2-related conditions. This variant is present in population databases (rs777442106, gnomAD 0.02%).

NM_001148.6(ANK2):c.7900G>A (p.Val2634Met)

Genes: ANK2 (ankyrin 2; plus strand), LOC126807137 (CDK7 strongly-dependent group 2 enhancer GRCh37_chr4:114276560-114277759; plus strand). Cytogenetic location: 4q26.
Variant type: single nucleotide variant.
Coding change: c.7900G>A on transcript NM_001148.6 (MANE Select); coding-DNA position 7900, G replaced by A.
Protein change: p.Val2634Met; replaces valine 2634 with methionine.
Molecular consequence: missense variant. On other transcripts: intron variant (68).
Genome position (GRCh38, 1-based): chr4:113,356,518, G>A. VCF-style: chr4-113356518-G-A. GRCh37 (hg19) VCF-style: chr4-114277674-G-A.
Other names: c.4364-4305G>A (NM_001354243.2, NM_001354255.2, NM_001386143.1); c.4265-4305G>A (NM_001354262.2, NM_001354275.2, NM_001354245.2); c.4202-4305G>A (NM_001354253.2, NM_001354270.2); c.4166-4305G>A (NM_001354257.2, NM_001386156.1); c.4241-4305G>A (NM_001354249.2, NM_001354266.2, NM_001354276.2 and 2 more transcripts); c.4208-4305G>A (NM_001386146.1, NM_001386150.1, NM_001386149.1 and 1 more transcripts); c.4193-4305G>A (NM_001354274.2, NM_001386154.1); c.4142-4305G>A (NM_001386151.1, NM_001354260.2, NM_001354271.2); and 35 more; short protein forms V2556M, V2681M, V2634M, V1434M, V2673M.
Identifiers: ClinVar variation 2911057 (VCV002911057.4), dbSNP rs777442106, ClinGen allele CA3051669.